The following is an entry in ClinVar:

NM_022168.4(IFIH1):c.3004A>T (p.Lys1002Ter)

Gene: IFIH1 (interferon induced with helicase C domain 1; minus strand). Cytogenetic location: 2q24.2.
Variant type: single nucleotide variant.
Coding change: c.3004A>T on transcript NM_022168.4 (MANE Select); coding-DNA position 3004, A replaced by T.
Protein change: p.Lys1002Ter; replaces lysine 1002 with a stop codon.
Molecular consequence: nonsense.
Genome position (GRCh38, 1-based): chr2:162,267,274, T>A on the plus strand (A>T on the coding strand, the complement: IFIH1 is on the minus strand). VCF-style: chr2-162267274-T-A. GRCh37 (hg19) VCF-style: chr2-163123784-T-A.
Other names: short protein forms K1002*.
Identifiers: ClinVar variation 2507109 (VCV002507109.2), dbSNP rs2468942839, ClinGen allele CA348988888.

ClinVar aggregate classification (germline): Uncertain significance (1 of 4 stars; one submission).

Submission:

GeneDx
Classification: Uncertain significance. Last evaluated: 2024-06-24. Review status: criteria provided, single submitter. Criteria: GeneDx Variant Classification Process June 2021. Collection method: clinical testing. Allele origin: germline. Affected: yes.
Comment: Not observed at significant frequency in large population cohorts (gnomAD); Nonsense variant predicted to result in protein truncation as the last 24 amino acids are lost, although loss-of-function variants have not been reported downstream of this position in the protein; Has not been previously published as pathogenic or benign to our knowledge